The following is an entry in ClinVar:

NM_000137.4(FAH):c.529A>G (p.Met177Val)

Gene: FAH (fumarylacetoacetate hydrolase; plus strand). Cytogenetic location: 15q25.1.
Variant type: single nucleotide variant.
Coding change: c.529A>G on transcript NM_000137.4 (MANE Select); coding-DNA position 529, A replaced by G.
Protein change: p.Met177Val; replaces methionine 177 with valine.
Molecular consequence: missense variant.
Genome position (GRCh38, 1-based): chr15:80,168,125, A>G. VCF-style: chr15-80168125-A-G. GRCh37 (hg19) VCF-style: chr15-80460467-A-G.
Other names: c.529A>G (NM_000137.2); c.529A>G, p.Met177Val (NM_001374377.1, NM_001374380.1); short protein forms M177V.
Identifiers: ClinVar variation 1896364 (VCV001896364.4), dbSNP rs1452481513, ClinGen allele CA393619904.

ClinVar aggregate classification (germline): Uncertain significance. Review status: criteria provided, multiple submitters, no conflicts (2 of 4 stars). 3 submissions from 3 submitters: Uncertain significance (3). Last evaluated 2024-04-22.

Conditions:
Inborn genetic diseases. Identifiers: MedGen C0950123, MeSH D030342.
Tyrosinemia type I (TYRSN1). Also called: Deficiency of fumarylacetoacetase; HEPATORENAL TYROSINEMIA; Tyrosinemia type 1; Fumarylacetoacetase deficiency; FAH DEFICIENCY. Identifiers: Orphanet 882, MedGen C0268490, MONDO:0010161, OMIM 276700. Disease mechanism: loss of function.

Allele frequency attached by ClinVar (database versions not stated): gnomAD exomes below 0.00001.

Submissions (3):

Fulgent Genetics
Classification: Uncertain significance for Tyrosinemia type I. Last evaluated: 2024-04-22. Review status: criteria provided, single submitter. Criteria: ACMG Guidelines, 2015. Collection method: clinical testing. Allele origin: germline.

Ambry Genetics
Classification: Uncertain significance for Inborn genetic diseases. Last evaluated: 2024-03-11. Review status: criteria provided, single submitter. Criteria: Ambry Variant Classification Scheme 2023. Collection method: clinical testing. Allele origin: germline.

Labcorp Genetics (formerly Invitae), Labcorp
Classification: Uncertain significance for Tyrosinemia type I. Last evaluated: 2022-08-16. Review status: criteria provided, single submitter. Criteria: Invitae Variant Classification Sherloc (09022015). Collection method: clinical testing. Allele origin: germline.
Comment: This sequence change replaces methionine, which is neutral and non-polar, with valine, which is neutral and non-polar, at codon 177 of the FAH protein (p.Met177Val). This variant is not present in population databases (gnomAD no frequency). This variant has not been reported in the literature in individuals affected with FAH-related conditions. Advanced modeling of protein sequence and biophysical properties (such as structural, functional, and spatial information, amino acid conservation, physicochemical variation, residue mobility, and thermodynamic stability) performed at Invitae indicates that this missense variant is not expected to disrupt FAH protein function. In summary, the available evidence is currently insufficient to determine the role of this variant in disease. Therefore, it has been classified as a Variant of Uncertain Significance.